The following is an entry in ClinVar:

ClinVar aggregate classification (germline): Pathogenic. Review status: criteria provided, multiple submitters, no conflicts (2 of 4 stars). 4 submissions from 4 submitters: Pathogenic (4). Last evaluated 2025-04-22.

Conditions:
Epidermolysis bullosa simplex 5B, with muscular dystrophy (EBS5B). Also called: EPIDERMOLYSIS BULLOSA SIMPLEX AND LIMB-GIRDLE MUSCULAR DYSTROPHY; Epidermolysis bullosa simplex with muscular dystrophy. Identifiers: Orphanet 257, MedGen C2931072, MONDO:0009181, OMIM 226670.
Epidermolysis bullosa simplex, Ogna type (EBS5A). Also called: Pidermolysis bullosa simplex 5A, Ogna type; EPIDERMOLYSIS BULLOSA SIMPLEX 5A, OGNA TYPE. Identifiers: Orphanet 79401, MedGen C0432317, MONDO:0007555, OMIM 131950.
Autosomal recessive limb-girdle muscular dystrophy type 2Q (LGMDR17). Also called: MUSCULAR DYSTROPHY, LIMB-GIRDLE, AUTOSOMAL RECESSIVE 17. Identifiers: Orphanet 254361, MedGen C3150989, MONDO:0013390, OMIM 613723.
Epidermolysis bullosa simplex with nail dystrophy (EBS5D). Identifiers: MedGen C4225309, MONDO:0014661, OMIM 616487.
Epidermolysis bullosa simplex 5C, with pyloric atresia (EBS5C). Also called: PLEC-Related Epidermolysis Bullosa with Pyloric Atresia; Epidermolysis bullosa simplex with pyloric atresia; PLEC1-Related Epidermolysis Bullosa with Pyloric Atresia. Identifiers: Orphanet 158684, MedGen C2677349, MONDO:0012807, OMIM 612138.
Myopathy. Identifiers: MedGen C0026848, MeSH D009135, MONDO:0005336, HP:0003198.
PLEC-related disorder. Also called: PLEC-related condition; PLEC-related disorders.

Allele frequency attached by ClinVar (database versions not stated): TOPMed below 0.00001; gnomAD 0.00001; gnomAD exomes 0.00001.
gnomAD v4.1: 11 of 1,609,954 alleles (0.00068%); highest among the groups gnomAD compares: Middle Eastern, 0.016%; no homozygotes.

Submissions (4):

Variantyx, Inc.
Classification: Pathogenic for Epidermolysis bullosa simplex 5B, with muscular dystrophy. Last evaluated: 2025-04-22. Review status: criteria provided, single submitter. Criteria: Variantyx Assertion Criteria 2022. Collection method: clinical testing. Allele origin: germline. Inheritance: Autosomal recessive inheritance.
Comment: This is a nonsense variant in the PLEC gene (OMIM: 601282). Pathogenic variants in this gene have been associated with autosomal recessive PLEC-related disorders. This variant introduces a premature termination codon in exon 31 out of 32 and is expected to result in loss of function, which is a known disease mechanism for PLEC in this disorder (PMID: 20301336, 20447487, 21109228, 23289980, 28824526) (PVS1). This variant has been reported in the homozygous or compound heterozygous state in at least 2 unrelated affected individuals (PMID: 10652001, 25454730) (PM3) and has a 0.0022% maximum allele frequency in non-founder control populations (PM2). Based on the current evidence, this variant is classified as pathogenic for autosomal recessive epidermolysis bullosa simplex with muscular dystrophy.

Labcorp Genetics (formerly Invitae), Labcorp
Classification: Pathogenic for Autosomal recessive limb-girdle muscular dystrophy type 2Q; Epidermolysis bullosa simplex, Ogna type; Epidermolysis bullosa simplex with nail dystrophy; Epidermolysis bullosa simplex 5C, with pyloric atresia; Epidermolysis bullosa simplex 5B, with muscular dystrophy. Last evaluated: 2023-02-09. Review status: criteria provided, single submitter. Criteria: Invitae Variant Classification Sherloc (09022015). Collection method: clinical testing. Allele origin: germline.
Comment: For these reasons, this variant has been classified as Pathogenic. ClinVar contains an entry for this variant (Variation ID: 1320041). This premature translational stop signal has been observed in individual(s) with epidermolysis bullosa simplex (PMID: 10652001, 25454730). In at least one individual the data is consistent with being in trans (on the opposite chromosome) from a pathogenic variant. This variant is not present in population databases (gnomAD no frequency). This sequence change creates a premature translational stop signal (p.Arg2351*) in the PLEC gene. It is expected to result in an absent or disrupted protein product. Loss-of-function variants in PLEC are known to be pathogenic (PMID: 20301336, 20447487, 21109228, 23289980, 28824526).

Blueprint Genetics
Classification: Pathogenic for PLEC-related disorders. Last evaluated: 2022-04-19. Review status: criteria provided, single submitter. Criteria: ACMG Guidelines, 2015. Collection method: clinical testing. Allele origin: germline. Affected: yes. Observed: 2 variant alleles.

Dasa
Classification: Pathogenic for Myopathy. Last evaluated: 2021-09-02. Review status: criteria provided, single submitter. Criteria: ACMG Guidelines, 2015. Collection method: clinical testing. Allele origin: germline. Affected: yes. Observed: 1 variant allele.
Comment: This sequence change creates a premature translational stop signal c.7051C>T;p.(Arg2351*) in the PLEC gene. It is expected to result in an absent or disrupted protein product - PVS1; this variant is present in population databases (rs1554691029, gnomAD 0.0006578%; ABraOM no frequency). This variant has been observed in individuals affected with epidermolysis bullosa simplex with muscular dystrophy (PMID: 28400893) - PS4_supporting; variant detected in trans with a pathogenic variant (PMID: 28400893) - PM3. For these reasons, this variant was classified as pathogenic.

Literature cited by the submitters: PubMed 20301336 (cited by Variantyx, Inc. and Labcorp Genetics (formerly Invitae), Labcorp); PubMed 20447487 (cited by Variantyx, Inc. and Labcorp Genetics (formerly Invitae), Labcorp); PubMed 21109228 (cited by Variantyx, Inc. and Labcorp Genetics (formerly Invitae), Labcorp); PubMed 23289980 (cited by Variantyx, Inc. and Labcorp Genetics (formerly Invitae), Labcorp); PubMed 28824526 (cited by Variantyx, Inc. and Labcorp Genetics (formerly Invitae), Labcorp); PubMed 10652001 (cited by Variantyx, Inc. and Labcorp Genetics (formerly Invitae), Labcorp); PubMed 25454730 (cited by Variantyx, Inc. and Labcorp Genetics (formerly Invitae), Labcorp); PubMed 28400893 (cited by Dasa).

NM_201384.3(PLEC):c.6970C>T (p.Arg2324Ter)

Gene: PLEC (plectin; minus strand). Cytogenetic location: 8q24.3.
Variant type: single nucleotide variant.
Coding change: c.6970C>T on transcript NM_201384.3 (MANE Select); coding-DNA position 6970, C replaced by T.
Protein change: p.Arg2324Ter; replaces arginine 2324 with a stop codon.
Molecular consequence: nonsense.
Genome position (GRCh38, 1-based): chr8:143,922,959, G>A on the plus strand (C>T on the coding strand, the complement: PLEC is on the minus strand). VCF-style: chr8-143922959-G-A. GRCh37 (hg19) VCF-style: chr8-144997127-G-A.
Other names: c.7051C>T, p.Arg2351Ter (NM_000445.5); c.6928C>T, p.Arg2310Ter (NM_201378.4); c.6904C>T, p.Arg2302Ter (NM_201379.3); c.7381C>T, p.Arg2461Ter (NM_201380.4); c.6874C>T, p.Arg2292Ter (NM_201381.3); c.6970C>T, p.Arg2324Ter (NM_201382.4); c.6982C>T, p.Arg2328Ter (NM_201383.3); short protein forms R2292*, R2302*, R2310*, R2324*, R2328*, R2351*, R2461*.
Identifiers: ClinVar variation 1320041 (VCV001320041.6), dbSNP rs1554691029, ClinGen allele CA372531028.